The following is an entry in ClinVar:

NM_000117.3(EMD):c.422C>T (p.Ser141Phe)

Gene: EMD (emerin; plus strand). Cytogenetic location: Xq28.
Variant type: single nucleotide variant.
Coding change: c.422C>T on transcript NM_000117.3 (MANE Select); coding-DNA position 422, C replaced by T.
Protein change: p.Ser141Phe; replaces serine 141 with phenylalanine.
Molecular consequence: missense variant.
Genome position (GRCh38, 1-based): chrX:154,380,775, C>T. VCF-style: chrX-154380775-C-T. GRCh37 (hg19) VCF-style: chrX-153609135-C-T.
Other names: short protein forms S141F.
Identifiers: ClinVar variation 1495732 (VCV001495732.12), dbSNP rs1262954618, ClinGen allele CA415258233.

ClinVar aggregate classification (germline): Conflicting classifications of pathogenicity. Review status: criteria provided, conflicting classifications (1 of 4 stars). 3 submissions from 3 submitters: Uncertain significance (2); Likely benign (1). Last evaluated 2026-02-01.

Conditions:
X-linked Emery-Dreifuss muscular dystrophy. Also called: Muscular dystrophy, tardive Emery-Dreifuss type, with contractures. Identifiers: Orphanet 261, Orphanet 98863, MedGen C0751337, MONDO:0010680.
Cardiovascular phenotype. Identifiers: MedGen CN230736.
Emery-Dreifuss muscular dystrophy 1, X-linked (EDMD1). Also called: SCAPULOPERONEAL SYNDROME, X-LINKED; HUMEROPERONEAL NEUROMUSCULAR DISEASE; EMD-Related Emery-Dreifuss Muscular Dystrophy, X-Linked; Muscular dystrophy, tardive, Dreifuss-Emery type, with contractures. Identifiers: MedGen CN375556, MONDO:0100531, OMIM 310300.

Allele frequency attached by ClinVar (database versions not stated): gnomAD 0.00002; gnomAD exomes 0.00001; TOPMed 0.00001.
gnomAD v4.1: 10 of 1,210,560 alleles (0.00083%); highest among the groups gnomAD compares: African/African-American, 0.0052%; no homozygotes.

Submissions (3):

Labcorp Genetics (formerly Invitae), Labcorp
Classification: Uncertain significance for X-linked Emery-Dreifuss muscular dystrophy. Last evaluated: 2026-02-01. Review status: criteria provided, single submitter. Criteria: Invitae Variant Classification Sherloc (09022015). Collection method: clinical testing. Allele origin: germline.
Comment: This sequence change replaces serine, which is neutral and polar, with phenylalanine, which is neutral and non-polar, at codon 141 of the EMD protein (p.Ser141Phe). This variant is present in population databases (no rsID available, gnomAD 0.01%). This variant has not been reported in the literature in individuals affected with EMD-related conditions. ClinVar contains an entry for this variant (Variation ID: 1495732). An algorithm developed to predict the effect of missense changes on protein structure and function outputs the following: PolyPhen-2: "Benign". The phenylalanine amino acid residue is found in multiple mammalian species, which suggests that this missense change does not adversely affect protein function. In summary, the available evidence is currently insufficient to determine the role of this variant in disease. Therefore, it has been classified as a Variant of Uncertain Significance.

Revvity Omics, Revvity
Classification: Uncertain significance for Emery-Dreifuss muscular dystrophy 1, X-linked. Last evaluated: 2025-01-22. Review status: criteria provided, single submitter. Criteria: ACMG Guidelines, 2015. Collection method: clinical testing. Allele origin: germline.

Ambry Genetics
Classification: Likely benign for Cardiovascular phenotype. Last evaluated: 2021-04-05. Review status: criteria provided, single submitter. Criteria: Ambry Variant Classification Scheme 2023. Collection method: clinical testing. Allele origin: germline.